The following is an entry in ClinVar:

ClinVar aggregate classification (germline): Uncertain significance (1 of 4 stars; one submission).

Allele frequency attached by ClinVar (database versions not stated): TOPMed 0.00002.

Submission:

Labcorp Genetics (formerly Invitae), Labcorp
Classification: Uncertain significance. Last evaluated: 2022-09-06. Review status: criteria provided, single submitter. Criteria: Invitae Variant Classification Sherloc (09022015). Collection method: clinical testing. Allele origin: germline.
Comment: In summary, the available evidence is currently insufficient to determine the role of this variant in disease. Therefore, it has been classified as a Variant of Uncertain Significance. Algorithms developed to predict the effect of missense changes on protein structure and function are either unavailable or do not agree on the potential impact of this missense change (SIFT: "Tolerated"; PolyPhen-2: "Possibly Damaging"; Align-GVGD: "Class C0"). This variant has not been reported in the literature in individuals affected with NUP205-related conditions. This variant is not present in population databases (gnomAD no frequency). This sequence change replaces glutamine, which is neutral and polar, with arginine, which is basic and polar, at codon 1308 of the NUP205 protein (p.Gln1308Arg).

NM_015135.3(NUP205):c.3923A>G (p.Gln1308Arg)

Gene: NUP205 (nucleoporin 205; plus strand). Cytogenetic location: 7q33.
Variant type: single nucleotide variant.
Coding change: c.3923A>G on transcript NM_015135.3 (MANE Select); coding-DNA position 3923, A replaced by G.
Protein change: p.Gln1308Arg; replaces glutamine 1308 with arginine.
Molecular consequence: missense variant.
Genome position (GRCh38, 1-based): chr7:135,618,563, A>G. VCF-style: chr7-135618563-A-G. GRCh37 (hg19) VCF-style: chr7-135303311-A-G.
Other names: c.2849A>G, p.Gln950Arg (NM_001329434.2); short protein forms Q950R, Q1308R.
Identifiers: ClinVar variation 2000147 (VCV002000147.4), dbSNP rs919350762, ClinGen allele CA167055584.
Genomic context (GRCh38, chr7:135,618,563, plus strand): 5'-AACTAGTAGAAATTATACTGACAGCTTGTCCCCAGGACCTCATTCAGGCAGAGGATCGAC[A>G]ACTGATTATTCGTGATATTTTACAAGATGTGCATGATAAGGTGACGTACTTCCTAAAATA-3'
Protein context (NP_055950.2, residues 1298-1318): PQDLIQAEDR[Gln1308Arg]LIIRDILQDV